The following is an entry in ClinVar:

NM_000237.3(LPL):c.1226G>A (p.Trp409Ter)

Gene: LPL (lipoprotein lipase; plus strand). Cytogenetic location: 8p21.3.
Variant type: single nucleotide variant.
Coding change: c.1226G>A on transcript NM_000237.3 (MANE Select); coding-DNA position 1226, G replaced by A.
Protein change: p.Trp409Ter; replaces tryptophan 409 with a stop codon.
Molecular consequence: nonsense.
Genome position (GRCh38, 1-based): chr8:19,960,987, G>A. VCF-style: chr8-19960987-G-A. GRCh37 (hg19) VCF-style: chr8-19818498-G-A.
Other names: short protein forms W409*.
Identifiers: ClinVar variation 4817963 (VCV004817963.1).

ClinVar aggregate classification (germline): Pathogenic (1 of 4 stars; one submission).

Conditions:
Hyperlipoproteinemia, type I. Also called: HYPERLIPOPROTEINEMIA, TYPE IA; LPL DEFICIENCY; Hyperlipoproteinemia type 1; Hyperchylomicro-nemia familial; Familial chylomicronemia; Hyperlipemia idiopathic Burger-Grutz type. Identifiers: Orphanet 309015, Orphanet 444490, MedGen C0023817, MONDO:0009387, OMIM 238600. Disease mechanism: loss of function.

gnomAD v4.1: 1 of 1,614,046 alleles (0.000062%); highest among the groups gnomAD compares: Non-Finnish European, 0.000085%; no homozygotes.

Submission:

Natera, Inc.
Classification: Pathogenic for Lipoprotein lipase deficiency. Last evaluated: 2025-07-18. Review status: criteria provided, single submitter. Criteria: Natera Variant Classification Schema (03/2026). Collection method: clinical testing. Allele origin: germline.
Comment: The c.1226G>A variant in LPL is a nonsense variant predicted to introduce a stop codon at amino acid 409. This variant is expected to result in nonsense mediated decay, truncation, or a dysfunctional protein product. This variant is rare in the general population with a frequency below the threshold expected for the associated phenotype(s). This variant has been observed in one or more individuals affected with the associated recessive disease, as either homozygous or compound heterozygous with a second variant (PMID: 10407506). Given the available evidence, this variant is classified as Pathogenic.

Literature cited by the submitters: PubMed 10407506.